The following is an entry in ClinVar:

NM_000206.3(IL2RG):c.990C>A (p.Cys330Ter)

Gene: IL2RG (interleukin 2 receptor subunit gamma; minus strand). Cytogenetic location: Xq13.1.
Variant type: single nucleotide variant.
Coding change: c.990C>A on transcript NM_000206.3 (MANE Select); coding-DNA position 990, C replaced by A.
Protein change: p.Cys330Ter; replaces cysteine 330 with a stop codon.
Molecular consequence: nonsense.
Genome position (GRCh38, 1-based): chrX:71,107,856, G>T on the plus strand (C>A on the coding strand, the complement: IL2RG is on the minus strand). VCF-style: chrX-71107856-G-T. GRCh37 (hg19) VCF-style: chrX-70327706-G-T.
Other names: short protein forms C330*.
Identifiers: ClinVar variation 2028474 (VCV002028474.4), dbSNP rs2521700164, ClinGen allele CA413627943.
Genomic context (GRCh38, chrX:71,107,856, plus strand): 5'-TGGGGAGGCCCCAGGCCCCTCCCCAAGGGCCCCTCCTTTTGGGGGAATCTCACTGACGAG[G>T]CAGAGTCGTTCACTGTAGTCTGGCTGCAGACTCTCAGCCAGTCCCTTAGACACACCACTC-3'

ClinVar aggregate classification (germline): Uncertain significance (1 of 4 stars; one submission).

Conditions:
X-linked severe combined immunodeficiency (SCIDX1). Also called: IMMUNODEFICIENCY 4; SCID, X-LINKED; SEVERE COMBINED IMMUNODEFICIENCY, X-LINKED, T CELL-NEGATIVE, B CELL-POSITIVE, NK CELL-NEGATIVE; T-B+ severe combined immunodeficiency due to gamma chain deficiency; X-Linked Combined Immunodeficiency Diseases. Identifiers: Orphanet 276, MedGen C6022468, MONDO:0010315, OMIM 300400. Disease mechanism: loss of function.

Submission:

Labcorp Genetics (formerly Invitae), Labcorp
Classification: Uncertain significance for X-linked severe combined immunodeficiency. Last evaluated: 2022-09-01. Review status: criteria provided, single submitter. Criteria: Invitae Variant Classification Sherloc (09022015). Collection method: clinical testing. Allele origin: germline.
Comment: This variant has not been reported in the literature in individuals affected with IL2RG-related conditions. This sequence change creates a premature translational stop signal (p.Cys330*) in the IL2RG gene. While this is not anticipated to result in nonsense mediated decay, it is expected to disrupt the last 40 amino acid(s) of the IL2RG protein. This variant is not present in population databases (gnomAD no frequency). Experimental studies and prediction algorithms are not available or were not evaluated, and the functional significance of this variant is currently unknown. In summary, the available evidence is currently insufficient to determine the role of this variant in disease. Therefore, it has been classified as a Variant of Uncertain Significance.